The following is an entry in ClinVar:

ClinVar aggregate classification (germline): Uncertain significance (1 of 4 stars; one submission).

Conditions:
Charcot-Marie-Tooth disease axonal type 2P. Also called: CHARCOT-MARIE-TOOTH NEUROPATHY, TYPE 2P; Charcot-Marie-Tooth Neuropathy Type 2G; CHARCOT-MARIE-TOOTH DISEASE, AXONAL, TYPE 2G; CMT 2G. Identifiers: Orphanet 300319, Orphanet 99941, MedGen C3280797, MONDO:0013753, OMIM 614436.

Allele frequency attached by ClinVar (database versions not stated): ExAC 0.00001; TOPMed 0.00001.
gnomAD v4.1: 13 of 1,613,890 alleles (0.00081%); highest among the groups gnomAD compares: East Asian, 0.0067%; no homozygotes.

Submission:

Labcorp Genetics (formerly Invitae), Labcorp
Classification: Uncertain significance for Charcot-Marie-Tooth disease axonal type 2P. Last evaluated: 2022-08-16. Review status: criteria provided, single submitter. Criteria: Invitae Variant Classification Sherloc (09022015). Collection method: clinical testing. Allele origin: germline.
Comment: In summary, the available evidence is currently insufficient to determine the role of this variant in disease. Therefore, it has been classified as a Variant of Uncertain Significance. Algorithms developed to predict the effect of missense changes on protein structure and function (SIFT, PolyPhen-2, Align-GVGD) all suggest that this variant is likely to be disruptive. This variant has not been reported in the literature in individuals affected with LRSAM1-related conditions. This variant is present in population databases (rs756516100, gnomAD 0.02%). This sequence change replaces arginine, which is basic and polar, with glutamine, which is neutral and polar, at codon 173 of the LRSAM1 protein (p.Arg173Gln).

NM_001005373.4(LRSAM1):c.518G>A (p.Arg173Gln)

Gene: LRSAM1 (leucine rich repeat and sterile alpha motif containing 1; plus strand). Cytogenetic location: 9q33.3.
Variant type: single nucleotide variant.
Coding change: c.518G>A on transcript NM_001005373.4 (MANE Select); coding-DNA position 518, G replaced by A.
Protein change: p.Arg173Gln; replaces arginine 173 with glutamine.
Molecular consequence: missense variant. On other transcripts: 5 prime UTR variant (1), non-coding transcript variant (2).
Genome position (GRCh38, 1-based): chr9:127,462,363, G>A. VCF-style: chr9-127462363-G-A. GRCh37 (hg19) VCF-style: chr9-130224642-G-A.
Other names: c.518G>A, p.Arg173Gln (NM_001005374.4, NM_001190723.3, NM_001384142.1 and 2 more transcripts); c.-267G>A (NM_001384144.1); short protein forms R173Q.
Identifiers: ClinVar variation 2168414 (VCV002168414.4), dbSNP rs756516100, ClinGen allele CA5246569.